The following is an entry in ClinVar:

ClinVar aggregate classification (germline): Uncertain significance (1 of 4 stars; one submission).

Allele frequency attached by ClinVar (database versions not stated): gnomAD exomes below 0.00001.
gnomAD v4.1: 1 of 1,590,548 alleles (0.000063%); highest among the groups gnomAD compares: Admixed American, 0.0017%; no homozygotes.

Submission:

CeGaT Center for Human Genetics Tuebingen
Classification: Uncertain significance. Last evaluated: 2022-03-01. Review status: criteria provided, single submitter. Criteria: CeGaT Center For Human Genetics Tuebingen Variant Classification Criteria Version 2. Collection method: clinical testing. Allele origin: germline. Affected: yes. Observed: 1 variant allele.
Comment: KRT6C: PM2

NM_173086.5(KRT6C):c.182T>A (p.Leu61Gln)

Gene: KRT6C (keratin 6C; minus strand). Cytogenetic location: 12q13.13.
Variant type: single nucleotide variant.
Coding change: c.182T>A on transcript NM_173086.5 (MANE Select); coding-DNA position 182, T replaced by A.
Protein change: p.Leu61Gln; replaces leucine 61 with glutamine.
Molecular consequence: missense variant.
Genome position (GRCh38, 1-based): chr12:52,473,556, A>T on the plus strand (T>A on the coding strand, the complement: KRT6C is on the minus strand). VCF-style: chr12-52473556-A-T. GRCh37 (hg19) VCF-style: chr12-52867340-A-T.
Other names: short protein forms L61Q.
Identifiers: ClinVar variation 1675498 (VCV001675498.33), dbSNP rs2121518657, ClinGen allele CA384946769.